The following is an entry in ClinVar:

ClinVar aggregate classification (germline): Uncertain significance (1 of 4 stars; one submission).

Conditions:
Meckel-Gruber syndrome. Also called: GRUBER SYNDROME; DYSENCEPHALIA SPLANCHNOCYSTICA; Dysencephalia splachnocystica. Identifiers: Orphanet 564, MedGen C0265215, MONDO:0018921.
Joubert syndrome. Also called: Familial aplasia of the vermis; JOUBERT-BOLTSHAUSER SYNDROME; CEREBELLOPARENCHYMAL DISORDER IV. Identifiers: Orphanet 475, MedGen C5979921, MONDO:0018772.

gnomAD v4.1: 3 of 1,606,184 alleles (0.00019%); highest among the groups gnomAD compares: Non-Finnish European, 0.00026%; no homozygotes.

Submission:

Labcorp Genetics (formerly Invitae), Labcorp
Classification: Uncertain significance for Joubert syndrome; Meckel-Gruber syndrome. Last evaluated: 2025-12-24. Review status: criteria provided, single submitter. Criteria: Invitae Variant Classification Sherloc (09022015). Collection method: clinical testing. Allele origin: germline.
Comment: This sequence change replaces arginine, which is basic and polar, with lysine, which is basic and polar, at codon 425 of the RPGRIP1L protein (p.Arg425Lys). This variant is present in population databases (no rsID available, gnomAD 0.02%). This variant has not been reported in the literature in individuals affected with RPGRIP1L-related conditions. Invitae Evidence Modeling of protein sequence and biophysical properties (such as structural, functional, and spatial information, amino acid conservation, physicochemical variation, residue mobility, and thermodynamic stability) indicates that this missense variant is not expected to disrupt RPGRIP1L protein function with a negative predictive value of 80%. In summary, the available evidence is currently insufficient to determine the role of this variant in disease. Therefore, it has been classified as a Variant of Uncertain Significance.

NM_015272.5(RPGRIP1L):c.1274G>A (p.Arg425Lys)

Gene: RPGRIP1L (RPGRIP1 like; minus strand). Cytogenetic location: 16q12.2.
Variant type: single nucleotide variant.
Coding change: c.1274G>A on transcript NM_015272.5 (MANE Select); coding-DNA position 1274, G replaced by A.
Protein change: p.Arg425Lys; replaces arginine 425 with lysine.
Molecular consequence: missense variant.
Genome position (GRCh38, 1-based): chr16:53,658,848, C>T on the plus strand (G>A on the coding strand, the complement: RPGRIP1L is on the minus strand). VCF-style: chr16-53658848-C-T. GRCh37 (hg19) VCF-style: chr16-53692760-C-T.
Other names: c.1274G>A, p.Arg425Lys (NM_001127897.4, NM_001308334.3, NM_001330538.2); short protein forms R425K.
Identifiers: ClinVar variation 4791676 (VCV004791676.1).